The following is an entry in ClinVar:

ClinVar aggregate classification (germline): Likely benign (1 of 4 stars; one submission).

Allele frequency attached by ClinVar (database versions not stated): gnomAD 0.00108 and 0.00132; TOPMed 0.00117; 1000 Genomes Project 0.00220; 1000 Genomes Project 30x 0.00265; gnomAD exomes 0.00307.
gnomAD v4.1: 249 of 169,046 alleles (0.15%); highest among the groups gnomAD compares: South Asian, 0.84%; 1 homozygote.

Submission:

CeGaT Center for Human Genetics Tuebingen
Classification: Likely benign. Last evaluated: 2022-09-01. Review status: criteria provided, single submitter. Criteria: CeGaT Center For Human Genetics Tuebingen Variant Classification Criteria Version 2. Collection method: clinical testing. Allele origin: germline. Affected: yes. Observed: 3 variant alleles.
Comment: EPS8L2: BP4, BP7

NM_022772.4(EPS8L2):c.*378T>C

Gene: EPS8L2 (EPS8 signaling adaptor L2; plus strand). Cytogenetic location: 11p15.5.
Variant type: single nucleotide variant.
Coding change: c.*378T>C on transcript NM_022772.4 (MANE Select); 378 bases downstream of the stop codon, T replaced by C.
Molecular consequence: 3 prime UTR variant.
Genome position (GRCh38, 1-based): chr11:727,359, T>C. VCF-style: chr11-727359-T-C. GRCh37 (hg19) VCF-style: chr11-727359-T-C.
Identifiers: ClinVar variation 1335058 (VCV001335058.35), dbSNP rs529321822, ClinGen allele CA216943384.